The following is an entry in ClinVar:

NM_003922.4(HERC1):c.4453C>A (p.Leu1485Ile)

Gene: HERC1 (HECT and RLD domain containing E3 ubiquitin protein ligase family member 1; minus strand). Cytogenetic location: 15q22.31.
Variant type: single nucleotide variant.
Coding change: c.4453C>A on transcript NM_003922.4 (MANE Select); coding-DNA position 4453, C replaced by A.
Protein change: p.Leu1485Ile; replaces leucine 1485 with isoleucine.
Molecular consequence: missense variant.
Genome position (GRCh38, 1-based): chr15:63,713,363, G>T on the plus strand (C>A on the coding strand, the complement: HERC1 is on the minus strand). VCF-style: chr15-63713363-G-T. GRCh37 (hg19) VCF-style: chr15-64005562-G-T.
Other names: short protein forms L1485I.
Identifiers: ClinVar variation 2104811 (VCV002104811.4), dbSNP rs2551571746, ClinGen allele CA392752696.

ClinVar aggregate classification (germline): Uncertain significance (1 of 4 stars; one submission).

Submission:

Labcorp Genetics (formerly Invitae), Labcorp
Classification: Uncertain significance. Last evaluated: 2022-04-12. Review status: criteria provided, single submitter. Criteria: Invitae Variant Classification Sherloc (09022015). Collection method: clinical testing. Allele origin: germline.
Comment: In summary, the available evidence is currently insufficient to determine the role of this variant in disease. Therefore, it has been classified as a Variant of Uncertain Significance. Algorithms developed to predict the effect of missense changes on protein structure and function (SIFT, PolyPhen-2, Align-GVGD) all suggest that this variant is likely to be tolerated. This variant has not been reported in the literature in individuals affected with HERC1-related conditions. This variant is not present in population databases (gnomAD no frequency). This sequence change replaces leucine, which is neutral and non-polar, with isoleucine, which is neutral and non-polar, at codon 1485 of the HERC1 protein (p.Leu1485Ile).